The following is an entry in ClinVar:

NM_024642.5(GALNT12):c.1196A>G (p.Asn399Ser)

Gene: GALNT12 (polypeptide N-acetylgalactosaminyltransferase 12; plus strand). Cytogenetic location: 9q22.33.
Variant type: single nucleotide variant.
Coding change: c.1196A>G on transcript NM_024642.5 (MANE Select); coding-DNA position 1196, A replaced by G.
Protein change: p.Asn399Ser; replaces asparagine 399 with serine.
Molecular consequence: missense variant.
Genome position (GRCh38, 1-based): chr9:98,837,132, A>G. VCF-style: chr9-98837132-A-G. GRCh37 (hg19) VCF-style: chr9-101599414-A-G.
Other names: short protein forms N399S.
Identifiers: ClinVar variation 1746024 (VCV001746024.3), dbSNP rs2490533772, ClinGen allele CA374220048.

ClinVar aggregate classification (germline): Uncertain significance (1 of 4 stars; one submission).

Submission:

Ambry Genetics
Classification: Uncertain significance. Last evaluated: 2024-06-21. Review status: criteria provided, single submitter. Criteria: Ambry Variant Classification Scheme 2023. Collection method: clinical testing. Allele origin: germline.
Comment: The p.N399S variant (also known as c.1196A>G), located in coding exon 6 of the GALNT12 gene, results from an A to G substitution at nucleotide position 1196. The asparagine at codon 399 is replaced by serine, an amino acid with highly similar properties. This amino acid position is well conserved in available vertebrate species. In addition, this alteration is predicted to be tolerated by in silico analysis. Since supporting evidence is limited at this time, the clinical significance of this alteration remains unclear.